The following is an entry in ClinVar:

NM_001083962.2(TCF4):c.550-16G>A

Gene: TCF4 (transcription factor 4; minus strand). Cytogenetic location: 18q21.2.
Variant type: single nucleotide variant.
Coding change: c.550-16G>A on transcript NM_001083962.2 (MANE Select); 16 bases into the intron before coding-DNA position 550, G replaced by A.
Molecular consequence: intron variant. On other transcripts: synonymous variant (1).
Genome position (GRCh38, 1-based): chr18:55,279,672, C>T on the plus strand (G>A on the coding strand, the complement: TCF4 is on the minus strand). VCF-style: chr18-55279672-C-T. GRCh37 (hg19) VCF-style: chr18-52946903-C-T.
Other names: c.552G>A, p.Leu184= (NM_001243228.2); c.856-16G>A (NM_001243226.3); c.475-16G>A (NM_001369584.1, NM_001369576.1, NM_001369585.1 and 3 more transcripts); c.478-16G>A (NM_001369577.1, NM_001369582.1, NM_001243227.2 and 9 more transcripts); c.550-16G>A (NM_001369571.1, NM_001369567.1, NM_001369572.1 and 4 more transcripts); c.544-16G>A (NM_001243230.2); c.547-16G>A (NM_001369569.1, NM_001369573.1, NM_001369570.1); c.424-16G>A (NM_001243231.2, NM_001348211.2); and 4 more.
Identifiers: ClinVar variation 5041900 (VCV005041900.1).
Genomic context (GRCh38, chr18:55,279,672, plus strand): 5'-CGAGTCCCTATTGTAGTCGGCAGTGCTTGCTGATGGAGCATAGACCTGAGGAGAAAGAAC[C>T]AACTGAGTTTTGCTTTTTGCATTGACCACAGCAGCCCAAGCTCCATTCTTATATAAGAAG-3'

ClinVar aggregate classification (germline): Likely benign (1 of 4 stars; one submission).

gnomAD v4.1: 1 of 1,613,710 alleles (0.000062%); highest among the groups gnomAD compares: Admixed American, 0.0017%; no homozygotes.

Submission:

CeGaT Center for Human Genetics Tuebingen
Classification: Likely benign. Last evaluated: 2026-09-01. Review status: criteria provided, single submitter. Criteria: CeGaT Center For Human Genetics Tuebingen Variant Classification Criteria Version 2. Collection method: clinical testing. Allele origin: germline. Affected: yes. Observed: 1 variant allele.
Comment: TCF4: BP4, BP7